The following is an entry in ClinVar:

ClinVar aggregate classification (germline): Likely benign (1 of 4 stars; one submission).

Conditions:
Leigh syndrome (NULS). Also called: Leigh's necrotizing encephalopathy; Leigh's disease; Leigh's syndrome; LEIGH SYNDROME, NUCLEAR; Leigh Syndrome (mtDNA deletion); Leigh Disease. Identifiers: Orphanet 506, MedGen C2931891, MONDO:0009723, OMIM 256000.

Submission:

Wong Mito Lab, Molecular and Human Genetics, Baylor College of Medicine
Classification: Likely benign for Leigh syndrome. Last evaluated: 2019-10-17. Review status: criteria provided, single submitter. Criteria: Modified ACMG Guidelines (Unpublished). Collection method: clinical testing. Allele origin: germline.
Comment: The NC_012920.1:m.14750A>T (YP_003024038.1:p.Thr2Ser) variant in MTCYB gene is interpretated to be a Likely Benign variant based on the modified ACMG guidelines (unpublished). This variant meets the following evidence codes: BP4, BP6

NC_012920.1(MT-CYB):m.14750A>T

Gene: MT-CYB (mitochondrially encoded cytochrome b; plus strand).
Variant type: single nucleotide variant.
Genome position: chrM-14750-A-T.
Identifiers: ClinVar variation 693755 (VCV000693755.1), dbSNP rs1603224853, ClinGen allele CA913171987.